The following is an entry in ClinVar:

NM_001384479.1(AGT):c.-24C>T

Gene: AGT (angiotensinogen; minus strand). Cytogenetic location: 1q42.2.
Variant type: single nucleotide variant.
Coding change: c.-24C>T on transcript NM_001384479.1 (MANE Select); 24 bases upstream of the start codon, C replaced by T.
Molecular consequence: 5 prime UTR variant.
Genome position (GRCh38, 1-based): chr1:230,710,847, G>A on the plus strand (C>T on the coding strand, the complement: AGT is on the minus strand). VCF-style: chr1-230710847-G-A. GRCh37 (hg19) VCF-style: chr1-230846593-G-A.
Other names: NM_000029.4:c.4C>T; p.Arg2Trp; c.-24C>T (NM_001382817.3).
Identifiers: ClinVar variation 2968685 (VCV002968685.5), dbSNP rs764314612, ClinGen allele CA1448414.

ClinVar aggregate classification (germline): Conflicting classifications of pathogenicity. Review status: criteria provided, conflicting classifications (1 of 4 stars). 3 submissions from 3 submitters: Uncertain significance (1); Likely benign (2). Last evaluated 2025-07-15.

Conditions:
Renal tubular dysgenesis of genetic origin. Also called: PRIMITIVE RENAL TUBULE SYNDROME. Identifiers: Orphanet 97369, MedGen C5681536, MONDO:0009970, OMIM 267430.

Allele frequency attached by ClinVar (database versions not stated): gnomAD 0.00009.
gnomAD v4.1: 156 of 1,612,414 alleles (0.0097%); highest among the groups gnomAD compares: Middle Eastern, 0.034%; no homozygotes.

Submissions (3):

Mayo Clinic Laboratories, Mayo Clinic
Classification: Likely benign. Last evaluated: 2025-07-15. Review status: criteria provided, single submitter. Criteria: ACMG Guidelines, 2015. Collection method: clinical testing. Allele origin: germline. Observed: 1 variant allele.
Comment: BS1, BP4

Labcorp Genetics (formerly Invitae), Labcorp
Classification: Likely benign. Last evaluated: 2023-07-17. Review status: criteria provided, single submitter. Criteria: Invitae Variant Classification Sherloc (09022015). Collection method: clinical testing. Allele origin: germline.

Department of Pathology and Laboratory Medicine, Sinai Health System
Classification: Uncertain significance for renal tubular dysgenesis of genetic origin. Last evaluated: 2021-07-30. Review status: criteria provided, single submitter. Criteria: ACMG Guidelines, 2015. Collection method: research. Allele origin: germline.